The following is an entry in ClinVar:

ClinVar aggregate classification (germline): Uncertain significance (1 of 4 stars; one submission).

Conditions:
Epileptic encephalopathy. Identifiers: MedGen C0543888, HP:0200134.

Allele frequency attached by ClinVar (database versions not stated): gnomAD exomes below 0.00001; TOPMed below 0.00001; gnomAD 0.00001.
gnomAD v4.1: 3 of 1,589,202 alleles (0.00019%); highest among the groups gnomAD compares: Non-Finnish European, 0.00026%; no homozygotes.

Submission:

Labcorp Genetics (formerly Invitae), Labcorp
Classification: Uncertain significance for Epileptic encephalopathy. Last evaluated: 2019-08-25. Review status: criteria provided, single submitter. Criteria: Invitae Variant Classification Sherloc (09022015). Collection method: clinical testing. Allele origin: germline.
Comment: This variant has not been reported in the literature in individuals with FASN-related conditions. This sequence change replaces valine with alanine at codon 638 of the FASN protein (p.Val638Ala). The valine residue is moderately conserved and there is a small physicochemical difference between valine and alanine. This variant is not present in population databases (ExAC no frequency). Algorithms developed to predict the effect of missense changes on protein structure and function are either unavailable or do not agree on the potential impact of this missense change (SIFT: "Deleterious"; PolyPhen-2: "Probably Damaging"; Align-GVGD: "Class C0"). In summary, the available evidence is currently insufficient to determine the role of this variant in disease. Therefore, it has been classified as a Variant of Uncertain Significance.

NM_004104.5(FASN):c.1913T>C (p.Val638Ala)

Gene: FASN (fatty acid synthase; minus strand). Cytogenetic location: 17q25.3.
Variant type: single nucleotide variant.
Coding change: c.1913T>C on transcript NM_004104.5 (MANE Select); coding-DNA position 1913, T replaced by C.
Protein change: p.Val638Ala; replaces valine 638 with alanine.
Molecular consequence: missense variant.
Genome position (GRCh38, 1-based): chr17:82,089,684, A>G on the plus strand (T>C on the coding strand, the complement: FASN is on the minus strand). VCF-style: chr17-82089684-A-G. GRCh37 (hg19) VCF-style: chr17-80047560-A-G.
Other names: short protein forms V638A.
Identifiers: ClinVar variation 956483 (VCV000956483.9), dbSNP rs1327630113, ClinGen allele CA401559377.